The following is an entry in ClinVar:

ClinVar aggregate classification (germline): Uncertain significance (1 of 4 stars; one submission).

Conditions:
Catecholaminergic polymorphic ventricular tachycardia 1. Also called: VENTRICULAR TACHYCARDIA, CATECHOLAMINERGIC POLYMORPHIC, 1, WITH OR WITHOUT ATRIAL DYSFUNCTION AND/OR DILATED CARDIOMYOPATHY; RYR2-Related Catecholaminergic Polymorphic Ventricular Tachycardia; VENTRICULAR TACHYCARDIA, STRESS-INDUCED POLYMORPHIC 1. Identifiers: Orphanet 3286, MedGen C1631597, MONDO:0011484, OMIM 604772.

gnomAD v4.1: 1 of 1,587,250 alleles (0.000063%); highest among the groups gnomAD compares: Non-Finnish European, 0.000086%; no homozygotes.

Submission:

Labcorp Genetics (formerly Invitae), Labcorp
Classification: Uncertain significance for Catecholaminergic polymorphic ventricular tachycardia 1. Last evaluated: 2022-05-30. Review status: criteria provided, single submitter. Criteria: Invitae Variant Classification Sherloc (09022015). Collection method: clinical testing. Allele origin: germline.
Comment: This sequence change replaces arginine, which is basic and polar, with leucine, which is neutral and non-polar, at codon 1051 of the RYR2 protein (p.Arg1051Leu). This variant is not present in population databases (gnomAD no frequency). This variant has not been reported in the literature in individuals affected with RYR2-related conditions. Advanced modeling of protein sequence and biophysical properties (such as structural, functional, and spatial information, amino acid conservation, physicochemical variation, residue mobility, and thermodynamic stability) performed at Invitae indicates that this missense variant is not expected to disrupt RYR2 protein function. In summary, the available evidence is currently insufficient to determine the role of this variant in disease. Therefore, it has been classified as a Variant of Uncertain Significance.

NM_001035.3(RYR2):c.3152G>T (p.Arg1051Leu)

Gene: RYR2 (ryanodine receptor 2; plus strand). Cytogenetic location: 1q43.
Variant type: single nucleotide variant.
Coding change: c.3152G>T on transcript NM_001035.3 (MANE Select); coding-DNA position 3152, G replaced by T.
Protein change: p.Arg1051Leu; replaces arginine 1051 with leucine.
Molecular consequence: missense variant.
Genome position (GRCh38, 1-based): chr1:237,550,629, G>T. VCF-style: chr1-237550629-G-T. GRCh37 (hg19) VCF-style: chr1-237713929-G-T.
Other names: short protein forms R1051L.
Identifiers: ClinVar variation 1993717 (VCV001993717.4), dbSNP rs79457258, ClinGen allele CA345394975.